The following is an entry in ClinVar:

NM_001110556.2(FLNA):c.1413T>C (p.Thr471=)

Gene: FLNA (filamin A; minus strand). Cytogenetic location: Xq28.
Variant type: single nucleotide variant.
Coding change: c.1413T>C on transcript NM_001110556.2 (MANE Select); coding-DNA position 1413, T replaced by C.
Protein change: p.Thr471=; no amino-acid change (threonine 471 retained).
Molecular consequence: synonymous variant.
Genome position (GRCh38, 1-based): chrX:154,366,040, A>G on the plus strand (T>C on the coding strand, the complement: FLNA is on the minus strand). VCF-style: chrX-154366040-A-G. GRCh37 (hg19) VCF-style: chrX-153594408-A-G.
Other names: c.1413T>C, p.Thr471= (NM_001456.4).
Identifiers: ClinVar variation 3571755 (VCV003571755.2).

ClinVar aggregate classification (germline): Uncertain significance (1 of 4 stars; one submission).

Submission:

Athena Diagnostics
Classification: Uncertain significance. Last evaluated: 2024-12-06. Review status: criteria provided, single submitter. Criteria: Athena Diagnostics Criteria. Collection method: clinical testing. Allele origin: unknown.
Comment: Available data are insufficient to determine the clinical significance of the variant at this time. This variant has not been reported in large, multi-ethnic general populations. Computational tools yielded predictions that this variant is unlikely to have an effect on normal RNA splicing.